The following is an entry in ClinVar:

NM_003114.5(SPAG1):c.1312G>T (p.Gly438Cys)

Genes: SPAG1 (sperm associated antigen 1; plus strand), LOC130000832 (ATAC-STARR-seq lymphoblastoid silent region 19412; plus strand). Cytogenetic location: 8q22.2.
Variant type: single nucleotide variant.
Coding change: c.1312G>T on transcript NM_003114.5 (MANE Select); coding-DNA position 1312, G replaced by T.
Protein change: p.Gly438Cys; replaces glycine 438 with cysteine.
Molecular consequence: missense variant.
Genome position (GRCh38, 1-based): chr8:100,213,305, G>T. VCF-style: chr8-100213305-G-T. GRCh37 (hg19) VCF-style: chr8-101225533-G-T.
Other names: c.1312G>T, p.Gly438Cys (NM_001374321.1, NM_172218.3); short protein forms G438C.
Identifiers: ClinVar variation 3800114 (VCV003800114.1).

ClinVar aggregate classification (germline): Uncertain significance (1 of 4 stars; one submission).

Conditions:
Primary ciliary dyskinesia. Also called: Ciliary dyskinesia. Identifiers: Orphanet 244, MedGen C0008780, MONDO:0016575, HP:0012265.

Submission:

Ambry Genetics
Classification: Uncertain significance for Primary ciliary dyskinesia. Last evaluated: 2025-01-10. Review status: criteria provided, single submitter. Criteria: Ambry Variant Classification Scheme 2023. Collection method: clinical testing. Allele origin: germline.
Comment: The p.G438C variant (also known as c.1312G>T), located in coding exon 10 of the SPAG1 gene, results from a G to T substitution at nucleotide position 1312. The glycine at codon 438 is replaced by cysteine, an amino acid with highly dissimilar properties. This amino acid position is conserved. In addition, this alteration is predicted to be tolerated by in silico analysis. Based on the available evidence, the clinical significance of this variant remains unclear.